The following is an entry in ClinVar:

NM_006019.4(TCIRG1):c.259C>T (p.Pro87Ser)

Gene: TCIRG1 (T cell immune regulator 1, ATPase H+ transporting V0 subunit a3; plus strand). Cytogenetic location: 11q13.2.
Variant type: single nucleotide variant.
Coding change: c.259C>T on transcript NM_006019.4 (MANE Select); coding-DNA position 259, C replaced by T.
Protein change: p.Pro87Ser; replaces proline 87 with serine.
Molecular consequence: missense variant. On other transcripts: 5 prime UTR variant (1), intron variant (1).
Genome position (GRCh38, 1-based): chr11:68,042,705, C>T. VCF-style: chr11-68042705-C-T. GRCh37 (hg19) VCF-style: chr11-67810172-C-T.
Other names: c.-991C>T (NM_001351059.2); c.259C>T, p.Pro87Ser (NM_001440552.1, NM_001440553.1, NM_001440554.1 and 9 more transcripts); c.217C>T, p.Pro73Ser (NM_001440555.1, NM_001440556.1, NM_001440563.1 and 2 more transcripts); c.118-241C>T (NM_001440565.1); short protein forms P73S, P87S.
Identifiers: ClinVar variation 4700582 (VCV004700582.1).

ClinVar aggregate classification (germline): Uncertain significance (1 of 4 stars; one submission).

Submission:

Labcorp Genetics (formerly Invitae), Labcorp
Classification: Uncertain significance. Last evaluated: 2025-07-20. Review status: criteria provided, single submitter. Criteria: Invitae Variant Classification Sherloc (09022015). Collection method: clinical testing. Allele origin: germline.
Comment: This sequence change replaces proline, which is neutral and non-polar, with serine, which is neutral and polar, at codon 87 of the TCIRG1 protein (p.Pro87Ser). This variant is not present in population databases (gnomAD no frequency). This variant has not been reported in the literature in individuals affected with TCIRG1-related conditions. Invitae Evidence Modeling of protein sequence and biophysical properties (such as structural, functional, and spatial information, amino acid conservation, physicochemical variation, residue mobility, and thermodynamic stability) indicates that this missense variant is not expected to disrupt TCIRG1 protein function with a negative predictive value of 80%. In summary, the available evidence is currently insufficient to determine the role of this variant in disease. Therefore, it has been classified as a Variant of Uncertain Significance.